The following is an entry in ClinVar:

NM_001018115.3(FANCD2):c.803A>G (p.Asp268Gly)

Genes: FANCD2 (FA complementation group D2; plus strand), LOC107303338 (3p25 FANCD2 Alu-mediated recombination region; plus strand). Cytogenetic location: 3p25.3.
Variant type: single nucleotide variant.
Coding change: c.803A>G on transcript NM_001018115.3 (MANE Select); coding-DNA position 803, A replaced by G.
Protein change: p.Asp268Gly; replaces aspartic acid 268 with glycine.
Molecular consequence: missense variant.
Genome position (GRCh38, 1-based): chr3:10,042,578, A>G. VCF-style: chr3-10042578-A-G. GRCh37 (hg19) VCF-style: chr3-10084262-A-G.
Other names: c.803A>G, p.Asp268Gly (NM_001319984.2, NM_001374253.1, NM_001374254.1 and 1 more transcripts); short protein forms D268G.
Identifiers: ClinVar variation 2038183 (VCV002038183.1), dbSNP rs1364004527, ClinGen allele CA351728181.
Genomic context (GRCh38, chr3:10,042,578, plus strand): 5'-GACATGAAAACCTATTAAGTTTCTGTGCTTTTAATTTTTAGGTTCGCCAGTTGGTGATGG[A>G]TAAGTTGTCGTCTATTAGATTGGAGGATTTACCTGTGATAATAAAGTTCATTCTTCATTC-3'
Protein context (NP_001018125.1, residues 258-278): FLLKVRQLVM[Asp268Gly]KLSSIRLEDL

ClinVar aggregate classification (germline): Uncertain significance (1 of 4 stars; one submission).

Conditions:
Fanconi anemia (FA). Also called: Fanconi's anemia. Identifiers: Orphanet 84, MedGen C0015625, MeSH D005199, MONDO:0019391.

Allele frequency attached by ClinVar (database versions not stated): gnomAD exomes below 0.00001; TOPMed below 0.00001.

Submission:

Labcorp Genetics (formerly Invitae), Labcorp
Classification: Uncertain significance for Fanconi anemia. Last evaluated: 2022-02-11. Review status: criteria provided, single submitter. Criteria: Invitae Variant Classification Sherloc (09022015). Collection method: clinical testing. Allele origin: germline.
Comment: This sequence change replaces aspartic acid, which is acidic and polar, with glycine, which is neutral and non-polar, at codon 268 of the FANCD2 protein (p.Asp268Gly). This variant is present in population databases (no rsID available, gnomAD 0.0009%). This variant has not been reported in the literature in individuals affected with FANCD2-related conditions. Algorithms developed to predict the effect of missense changes on protein structure and function output the following: SIFT: "Tolerated"; PolyPhen-2: "Benign"; Align-GVGD: "Class C0". The glycine amino acid residue is found in multiple mammalian species, which suggests that this missense change does not adversely affect protein function. Algorithms developed to predict the effect of sequence changes on RNA splicing suggest that this variant may create or strengthen a splice site. In summary, the available evidence is currently insufficient to determine the role of this variant in disease. Therefore, it has been classified as a Variant of Uncertain Significance.